The following is an entry in ClinVar:

ClinVar aggregate classification (germline): Pathogenic. Review status: reviewed by expert panel (3 of 4 stars). 24 submissions from 24 submitters: Pathogenic (1). 23 of the submissions do not count toward it. Last evaluated 2013-09-05.

Conditions:
Hereditary nonpolyposis colorectal neoplasms. Identifiers: MedGen C0009405, MeSH D003123.
Lynch syndrome 4 (LYNCH4). Also called: Hereditary non-polyposis colorectal cancer, type 4; Colorectal cancer, hereditary nonpolyposis, type 4. Identifiers: Orphanet 144, MedGen C1838333, MONDO:0013699, OMIM 614337. Disease mechanism: loss of function.
Mismatch repair cancer syndrome 4. Identifiers: MedGen C5436817, MONDO:0030843, OMIM 619101.
Gastric cancer. Also called: Malignant tumor of stomach; Stomach cancer. Identifiers: MedGen C0024623, MeSH D013274, MONDO:0001056, OMIM 613659, HP:0012126.
PMS2-related disorder. Also called: PMS2-related condition.
Hereditary cancer-predisposing syndrome. Also called: Tumor predisposition; Neoplastic Syndromes, Hereditary; Hereditary neoplastic syndrome; Hereditary Cancer Syndrome. Identifiers: Orphanet 140162, MedGen C0027672, MeSH D009386, MONDO:0015356.
Inherited MMR deficiency (Lynch syndrome).
Lynch syndrome. Identifiers: Orphanet 144, MedGen C4552100, MONDO:0005835. Disease mechanism: loss of function.
Mismatch repair cancer syndrome 1 (MMRCS1). Also called: MISMATCH REPAIR DEFICIENCY; MMR DEFICIENCY; BRAIN TUMOR-POLYPOSIS SYNDROME 1; BTP1 SYNDROME; CHILDHOOD CANCER SYNDROME. Identifiers: Orphanet 252202, MedGen C5399763, MONDO:0010159, OMIM 276300. Disease mechanism: loss of function.

Submissions 1 to 9 of 24:

International Society for Gastrointestinal Hereditary Tumours (InSiGHT)
Classification: Pathogenic for Lynch Syndrome. Last evaluated: 2013-09-05. Review status: reviewed by expert panel. Criteria: Guidelines v1.9. Collection method: research. Allele origin: germline.
Comment: Coding sequence variation resulting in a stop codon

Classified with v1.9 guidelines

Genetics Laboratory, Great Ormond Street Hospital NHS Foundation Trust, North Thames Genomic Laboratory Hub
Classification: Pathogenic for Inherited MMR deficiency (Lynch syndrome). Last evaluated: 2026-09-21. Review status: criteria provided, single submitter. Criteria: CanVIG MMR Gene Specific V1.7. Collection method: clinical testing. Allele origin: germline. Affected: yes. Not counted in ClinVar's aggregate classification.
Comment: PVS1_very-strong, PP4_moderate

PreventionGenetics, part of Exact Sciences
Classification: Pathogenic for PMS2-related condition. Last evaluated: 2026-05-21. Review status: criteria provided, single submitter. Criteria: ACMG Guidelines, 2015. Collection method: clinical testing. Allele origin: germline. Not counted in ClinVar's aggregate classification.
Comment: The PMS2 c.861_864delACAG variant is predicted to result in a frameshift and premature protein termination (p.Arg287Serfs*19). This variant has been reported in multiple individuals with Lynch syndrome-related cancers (Senter et al. 2008. PubMed ID: 18602922; Table S1 - Yurgelun et al. 2015. PubMed ID: 25980754; Moline et al. 2013. PubMed ID: 23612316; Suerink et al. 2016. PubMed ID: 26110232; Rohlin et al. 2017. PubMed ID: 27696107). This variant is reported in 0.0040% of alleles in individuals of African descent in gnomAD, and is interpreted as pathogenic in ClinVar (Variation ID: 91375). This variant is interpreted as pathogenic.

Ambry Genetics
Classification: Pathogenic for Hereditary cancer-predisposing syndrome. Last evaluated: 2026-04-02. Review status: criteria provided, single submitter. Criteria: Ambry Variant Classification Scheme 2023. Collection method: clinical testing. Allele origin: germline. Not counted in ClinVar's aggregate classification.
Comment: The c.861_864delACAG (p.R287Sfs*19) alteration, located in exon 8 (coding exon 8) of the PMS2 gene, consists of a deletion of 4 nucleotides from position 861 to 864, causing a translational frameshift with a predicted alternate stop codon after 19 amino acids. This alteration is expected to result in loss of function by premature protein truncation or nonsense-mediated mRNA decay. Based on data from gnomAD, this allele has an overall frequency of 0.001% (3/282844) total alleles studied. The highest observed frequency was 0.004% (1/24960) of African alleles. This variant was identified in patients diagnosed with rectal or endometrial cancer showing isolated loss of PMS2 on IHC (Senter, 2008; Moline, 2013). Based on the available evidence, this alteration is classified as pathogenic.

Labcorp Genetics (formerly Invitae), Labcorp
Classification: Pathogenic for Hereditary nonpolyposis colorectal neoplasms. Last evaluated: 2025-07-30. Review status: criteria provided, single submitter. Criteria: Invitae Variant Classification Sherloc (09022015). Collection method: clinical testing. Allele origin: germline. Not counted in ClinVar's aggregate classification.
Comment: This sequence change creates a premature translational stop signal (p.Arg287Serfs*19) in the PMS2 gene. It is expected to result in an absent or disrupted protein product. Loss-of-function variants in PMS2 are known to be pathogenic (PMID: 21376568, 24362816). This variant is present in population databases (rs267608154, gnomAD 0.002%). This premature translational stop signal has been observed in individual(s) with Lynch syndrome-associated cancers (PMID: 18602922, 23612316, 25980754, 26110232, 27696107). Invitae Evidence Modeling of clinical and family history, age, sex, and reported ancestry of multiple individuals with this PMS2 variant has been performed. This variant is expected to be pathogenic with a positive predictive value of at least 99%. This is a validated machine learning model that incorporates the clinical features of 1,627,235 individuals referred to our laboratory for PMS2 testing. ClinVar contains an entry for this variant (Variation ID: 91375). For these reasons, this variant has been classified as Pathogenic.

Color Diagnostics, LLC DBA Color Health
Classification: Pathogenic for Hereditary cancer-predisposing syndrome. Last evaluated: 2025-05-22. Review status: criteria provided, single submitter. Criteria: ACMG Guidelines, 2015. Collection method: clinical testing. Allele origin: germline. Not counted in ClinVar's aggregate classification.
Comment: This variant deletes 4 nucleotides in exon 8 of the PMS2 gene, creating a frameshift and premature translation stop signal. This variant is expected to result in an absent or non-functional protein product. This variant has been reported in multiple individuals affected with Lynch syndrome-associated cancer or suspected Lynch syndrome (PMID: 18602922, 25512458, 25980754, 26110232, 26837502, 27435373, 27696107, 37509324). This variant has been identified in 3/282844 chromosomes in the general population by the Genome Aggregation Database (gnomAD). Loss of PMS2 function is a known mechanism of disease. Based on the available evidence, this variant is classified as Pathogenic.

Baylor Genetics
Classification: Pathogenic for Lynch syndrome 4. Last evaluated: 2024-03-29. Review status: criteria provided, single submitter. Criteria: ACMG Guidelines, 2015. Collection method: clinical testing. Allele origin: unknown. Not counted in ClinVar's aggregate classification.

Laboratory for Molecular Medicine, Mass General Brigham Personalized Medicine
Classification: Pathogenic for Lynch syndrome. Last evaluated: 2024-03-21. Review status: criteria provided, single submitter. Criteria: ACMG Guidelines, 2015. Collection method: clinical testing. Allele origin: germline. Not counted in ClinVar's aggregate classification.
Comment: proposed classification - variant undergoing re-assessment, contact laboratory

All of Us Research Program, National Institutes of Health
Classification: Pathogenic for Lynch syndrome. Last evaluated: 2024-01-08. Review status: criteria provided, single submitter. Criteria: ACMG Guidelines, 2015. Collection method: clinical testing. Allele origin: germline. Inheritance: Autosomal dominant inheritance. Observed: 2 variant alleles, 2 heterozygotes. Not counted in ClinVar's aggregate classification.
Comment: This variant deletes 4 nucleotides in exon 8 of the PMS2 gene, creating a frameshift and premature translation stop signal. This variant is expected to result in an absent or non-functional protein product. To our knowledge, functional studies have not been reported for this variant. This variant has been reported in individuals affected with Lynch syndrome (PMID: 25512458, 26110232, 26837502, 27435373), colorectal cancer with clinical features of Lynch syndrome (PMID: 27696107), or rectal cancer (PMID: 18602922). This variant has been identified in 3/282844 chromosomes in the general population by the Genome Aggregation Database (gnomAD). Loss of PMS2 function is a known mechanism of disease. Based on the available evidence, this variant is classified as Pathogenic.

This study involves interpretation of variants in research participants for the purpose of population health screening. Participant phenotype was not available at the time of variant classification. Additional details can be found in publication PMID: 35346344, PMCID: PMC8962531

NM_000535.7(PMS2):c.861_864del (p.Arg287fs)

Gene: PMS2 (PMS1 homolog 2, mismatch repair system component; minus strand). Cytogenetic location: 7p22.1.
Variant type: Microsatellite.
Coding change: c.861_864del on transcript NM_000535.7 (MANE Select); coding-DNA positions 861 to 864, 4 bases deleted (ACAG; older notation c.861_864delACAG).
Protein change: p.Arg287fs; shifts the reading frame from arginine 287.
Molecular consequence: frameshift variant. On other transcripts: 5 prime UTR variant (2), non-coding transcript variant (1).
Genome position (GRCh38, 1-based): chr7:5,995,573-5,995,576, CTGT deleted on the plus strand (ACAG on the coding strand, the reverse complement: PMS2 is on the minus strand); deleting any 4 consecutive bases within chr7:5,995,573-5,995,584 gives the same sequence; the c. name uses the placement nearest the transcript's 3' end. VCF-style (leftmost placement, unchanged base first): chr7-5995572-ACTGT-A. GRCh37 (hg19) VCF-style: chr7-6035203-ACTGT-A.
Other names: c.456_459del, p.Arg152fs (NM_001322003.2, NM_001322004.2, NM_001322005.2 and 2 more transcripts); c.861_864del, p.Arg287fs (NM_001322006.2, NM_001322014.2); c.543_546del, p.Arg181fs (NM_001322007.2, NM_001322008.2); c.-81ACAG[2] (NM_001322011.2, NM_001322012.2); c.288_291del, p.Arg96fs (NM_001322013.2); c.552_555del, p.Arg184fs (NM_001322015.2); c.861_864delACAG (NM_000535.6); short protein forms R152fs, R181fs, R184fs, R287fs, R96fs.
Identifiers: ClinVar variation 91375 (VCV000091375.67), dbSNP rs267608154, ClinGen allele CA013048.